The following is an entry in ClinVar:

ClinVar aggregate classification (germline): Uncertain significance. Review status: criteria provided, multiple submitters, no conflicts (2 of 4 stars). 2 submissions from 2 submitters: Uncertain significance (2). Last evaluated 2025-08-29.

Conditions:
Hereditary cancer-predisposing syndrome. Also called: Hereditary Cancer Syndrome; Neoplastic Syndromes, Hereditary; Hereditary neoplastic syndrome; Tumor predisposition. Identifiers: Orphanet 140162, MedGen C0027672, MeSH D009386, MONDO:0015356.
Ataxia-telangiectasia syndrome (AT). Also called: Cerebello-oculocutaneous telangiectasia; Immunodeficiency with ataxia telangiectasia; Ataxia-telangiectasia, complementation group E; Ataxia-telangiectasia, complementation group D; AT, COMPLEMENTATION GROUP C; ATAXIA-TELANGIECTASIA, COMPLEMENTATION GROUP A. Identifiers: Orphanet 100, MedGen C0004135, MONDO:0008840, OMIM 208900.

Allele frequency attached by ClinVar (database versions not stated): gnomAD exomes below 0.00001 and 0.00001; TOPMed below 0.00001; ExAC 0.00001; gnomAD 0.00001.
gnomAD v4.1: 2 of 1,613,484 alleles (0.00012%); highest among the groups gnomAD compares: African/African-American, 0.0027%; no homozygotes.

Submissions (2):

Labcorp Genetics (formerly Invitae), Labcorp
Classification: Uncertain significance for Ataxia-telangiectasia syndrome. Last evaluated: 2025-08-29. Review status: criteria provided, single submitter. Criteria: Invitae Variant Classification Sherloc (09022015). Collection method: clinical testing. Allele origin: germline.
Comment: This sequence change replaces serine, which is neutral and polar, with arginine, which is basic and polar, at codon 381 of the ATM protein (p.Ser381Arg). This variant is present in population databases (rs755991658, gnomAD 0.01%). This variant has not been reported in the literature in individuals affected with ATM-related conditions. ClinVar contains an entry for this variant (Variation ID: 822236). Invitae Evidence Modeling of protein sequence and biophysical properties (such as structural, functional, and spatial information, amino acid conservation, physicochemical variation, residue mobility, and thermodynamic stability) indicates that this missense variant is not expected to disrupt ATM protein function with a negative predictive value of 95%. In summary, the available evidence is currently insufficient to determine the role of this variant in disease. Therefore, it has been classified as a Variant of Uncertain Significance.

Ambry Genetics
Classification: Uncertain significance for Hereditary cancer-predisposing syndrome. Last evaluated: 2023-12-25. Review status: criteria provided, single submitter. Criteria: Ambry Variant Classification Scheme 2023. Collection method: clinical testing. Allele origin: germline.
Comment: The p.S381R variant (also known as c.1143T>A), located in coding exon 8 of the ATM gene, results from a T to A substitution at nucleotide position 1143. The serine at codon 381 is replaced by arginine, an amino acid with dissimilar properties. This amino acid position is not well conserved in available vertebrate species. In addition, this alteration is predicted to be tolerated by in silico analysis. Since supporting evidence is limited at this time, the clinical significance of this alteration remains unclear.

NM_000051.4(ATM):c.1143T>A (p.Ser381Arg)

Gene: ATM (ATM serine/threonine kinase; plus strand). Cytogenetic location: 11q22.3.
Variant type: single nucleotide variant.
Coding change: c.1143T>A on transcript NM_000051.4 (MANE Select); coding-DNA position 1143, T replaced by A.
Protein change: p.Ser381Arg; replaces serine 381 with arginine.
Molecular consequence: missense variant.
Genome position (GRCh38, 1-based): chr11:108,249,010, T>A. VCF-style: chr11-108249010-T-A. GRCh37 (hg19) VCF-style: chr11-108119737-T-A.
Other names: c.1143T>A, p.Ser381Arg (NM_001351834.2); short protein forms S381R.
Identifiers: ClinVar variation 822236 (VCV000822236.12), dbSNP rs755991658, ClinGen allele CA6264767.
Genomic context (GRCh38, chr11:108,249,010, plus strand): 5'-CAGATCCTTGGAGATTTCTCAATCTTACACTACTACACAAAGAGAATCTAGTGATTACAG[T>A]GTCCCTTGCAAAAGGAAGAAAATAGAACTAGGCTGGGAAGTAATAAAAGATCACCTTCAG-3'
Protein context (NP_000042.3, residues 371-391): TTTQRESSDY[Ser381Arg]VPCKRKKIEL